The following is an entry in ClinVar:

ClinVar aggregate classification (germline): Uncertain significance (1 of 4 stars; one submission).

Conditions:
Dystonia 12 (DYT12). Also called: DYT-ATP1A3; Rapid-Onset Dystonia-Parkinsonism (RDP). Identifiers: Orphanet 71517, MedGen C1868681, MONDO:0007496, OMIM 128235.

Submission:

Labcorp Genetics (formerly Invitae), Labcorp
Classification: Uncertain significance for Dystonia 12. Last evaluated: 2021-12-02. Review status: criteria provided, single submitter. Criteria: Invitae Variant Classification Sherloc (09022015). Collection method: clinical testing. Allele origin: germline.
Comment: This sequence change replaces valine, which is neutral and non-polar, with alanine, which is neutral and non-polar, at codon 990 of the ATP1A3 protein (p.Val990Ala). In summary, the available evidence is currently insufficient to determine the role of this variant in disease. Therefore, it has been classified as a Variant of Uncertain Significance. Algorithms developed to predict the effect of missense changes on protein structure and function are either unavailable or do not agree on the potential impact of this missense change (SIFT: "Deleterious"; PolyPhen-2: "Benign"; Align-GVGD: "Class C0"). This variant is not present in population databases (gnomAD no frequency). This variant has not been reported in the literature in individuals affected with ATP1A3-related conditions.

NM_152296.5(ATP1A3):c.2969T>C (p.Val990Ala)

Gene: ATP1A3 (ATPase Na+/K+ transporting subunit alpha 3; minus strand). Cytogenetic location: 19q13.2.
Variant type: single nucleotide variant.
Coding change: c.2969T>C on transcript NM_152296.5 (MANE Select); coding-DNA position 2969, T replaced by C.
Protein change: p.Val990Ala; replaces valine 990 with alanine.
Molecular consequence: missense variant.
Genome position (GRCh38, 1-based): chr19:41,967,293, A>G on the plus strand (T>C on the coding strand, the complement: ATP1A3 is on the minus strand). VCF-style: chr19-41967293-A-G. GRCh37 (hg19) VCF-style: chr19-42471445-A-G.
Other names: c.3002T>C, p.Val1001Ala (NM_001256213.2); c.3008T>C, p.Val1003Ala (NM_001256214.2); short protein forms V1003A, V1001A, V990A.
Identifiers: ClinVar variation 1378783 (VCV001378783.6), dbSNP rs2145941354, ClinGen allele CA406035093.